The following is an entry in ClinVar:

ClinVar aggregate classification (germline): Pathogenic (1 of 4 stars; one submission).

Conditions:
Brachyolmia-amelogenesis imperfecta syndrome. Also called: Tooth agenesis, selective, 6; Dental anomalies and short stature; PLATYSPONDYLY WITH AMELOGENESIS IMPERFECTA. Identifiers: Orphanet 2899, MedGen C1832594, MONDO:0011018, OMIM 601216. Disease mechanism: loss of function.

Submission:

Labcorp Genetics (formerly Invitae), Labcorp
Classification: Pathogenic for Brachyolmia-amelogenesis imperfecta syndrome. Last evaluated: 2025-11-24. Review status: criteria provided, single submitter. Criteria: Invitae Variant Classification Sherloc (09022015). Collection method: clinical testing. Allele origin: germline.
Comment: This sequence change creates a premature translational stop signal (p.Ile543Serfs*23) in the LTBP3 gene. It is expected to result in an absent or disrupted protein product. Loss-of-function variants in LTBP3 are known to be pathogenic (PMID: 11790802, 19344874, 25669657). This variant is not present in population databases (gnomAD no frequency). This variant has not been reported in the literature in individuals affected with LTBP3-related conditions. For these reasons, this variant has been classified as Pathogenic.

Literature cited by the submitters: PubMed 11790802; PubMed 19344874; PubMed 25669657.

NM_001130144.3(LTBP3):c.1626del (p.Ile543fs)

Gene: LTBP3 (latent transforming growth factor beta binding protein 3; minus strand). Cytogenetic location: 11q13.1.
Variant type: Deletion.
Coding change: c.1626del on transcript NM_001130144.3 (MANE Select); coding-DNA position 1626, one base deleted (G; older notation c.1626delG).
Protein change: p.Ile543fs; shifts the reading frame from isoleucine 543.
Molecular consequence: frameshift variant.
Genome position (GRCh38, 1-based): chr11:65,551,220, C deleted on the plus strand (G on the coding strand, the reverse complement: LTBP3 is on the minus strand). VCF-style (leftmost placement, unchanged base first): chr11-65551219-TC-T. GRCh37 (hg19) VCF-style: chr11-65318690-TC-T.
Other names: c.1275del, p.Ile426fs (NM_001164266.1); c.1626del, p.Ile543fs (NM_021070.4); short protein forms I543fs, I426fs.
Identifiers: ClinVar variation 4704321 (VCV004704321.1).
Genomic context (GRCh38, chr11:65,551,219, plus strand): 5'-TGCGGGAAGGAGGCAAGTCCGGCAGGAACCAGCGCATGGTCGGGGGCGAGGGACGGGAGA[TC>T]AGCTCTGCGGGCGGCAGTGCACTCTGGTCAGAGACGATATTGACTGAAGCCTCCCTTTCC-3'